The following is an entry in ClinVar:

NM_006939.4(SOS2):c.13C>G (p.Pro5Ala)

Genes: SOS2 (SOS Ras/Rho guanine nucleotide exchange factor 2; minus strand), LOC130055588 (ATAC-STARR-seq lymphoblastoid silent region 5718; plus strand). Cytogenetic location: 14q21.3.
Variant type: single nucleotide variant.
Coding change: c.13C>G on transcript NM_006939.4 (MANE Select); coding-DNA position 13, C replaced by G.
Protein change: p.Pro5Ala; replaces proline 5 with alanine.
Molecular consequence: missense variant.
Genome position (GRCh38, 1-based): chr14:50,231,271, G>C on the plus strand (C>G on the coding strand, the complement: SOS2 is on the minus strand). VCF-style: chr14-50231271-G-C. GRCh37 (hg19) VCF-style: chr14-50697989-G-C.
Other names: short protein forms P5A.
Identifiers: ClinVar variation 981587 (VCV000981587.11), dbSNP rs976486198, ClinGen allele CA260740027.

ClinVar aggregate classification (germline): Conflicting classifications of pathogenicity. Review status: criteria provided, conflicting classifications (1 of 4 stars). 4 submissions from 4 submitters: Uncertain significance (2); Likely benign (1). 1 of the submissions does not count toward it. Last evaluated 2025-07-21.

Conditions:
Noonan syndrome 9 (NS9). Identifiers: Orphanet 648, MedGen C4225282, MONDO:0014691, OMIM 616559.
Cardiovascular phenotype. Identifiers: MedGen CN230736.
Noonan syndrome (NS). Also called: Noonan's syndrome. Identifiers: Orphanet 648, MedGen C0028326, MeSH D009634, MONDO:0018997. Disease mechanism: gain of function.

Allele frequency attached by ClinVar (database versions not stated): TOPMed 0.00003; gnomAD 0.00004.
gnomAD v4.1: 32 of 1,472,096 alleles (0.0022%); highest among the groups gnomAD compares: African/African-American, 0.0071%; no homozygotes.

Submissions (4):

Labcorp Genetics (formerly Invitae), Labcorp
Classification: Likely benign for Noonan syndrome 9. Last evaluated: 2025-07-21. Review status: criteria provided, single submitter. Criteria: Invitae Variant Classification Sherloc (09022015). Collection method: clinical testing. Allele origin: germline.

Ambry Genetics
Classification: Uncertain significance for Cardiovascular phenotype. Last evaluated: 2024-07-12. Review status: criteria provided, single submitter. Criteria: Ambry Variant Classification Scheme 2023. Collection method: clinical testing. Allele origin: germline.
Comment: The p.P5A variant (also known as c.13C>G), located in coding exon 1 of the SOS2 gene, results from a C to G substitution at nucleotide position 13. The proline at codon 5 is replaced by alanine, an amino acid with highly similar properties. This amino acid position is well conserved in available vertebrate species. In addition, the in silico prediction for this alteration is inconclusive. Based on the available evidence, the clinical significance of this variant remains unclear.

Clinical Genomics Laboratory, Stanford Medicine
Classification: Uncertain significance for Noonan syndrome 9. Last evaluated: 2022-07-14. Review status: criteria provided, single submitter. Criteria: ACMG Guidelines, 2015. Collection method: clinical testing. Allele origin: germline. Observed: 1 variant allele, 1 heterozygote.
Comment: The p.Pro5Ala variant in the SOS2 gene has not been previously reported in association with disease. This variant has been identified in 4/41406 African American chromosomes (6/151746 overall) by the Genome Aggregation Database. This variant is present in ClinVar (Variation ID: 981587). Computational tools predict that this variant is neither deleterious nor benign; however, the accuracy of in silico algorithms is limited. These data were assessed using the ACMG/AMP variant interpretation guidelines. In summary, the significance of the p.Pro5Ala variant is uncertain. Additional information is needed to resolve the significance of this variant. [ACMG evidence codes used: none]

Service de Génétique Moléculaire, Hôpital Robert Debré
Classification: Uncertain significance for Noonan syndrome. Review status: no assertion criteria provided. Collection method: clinical testing. Allele origin: unknown. Affected: yes. Not counted in ClinVar's aggregate classification.